The following is an entry in ClinVar:

NM_001127208.3(TET2):c.2639A>G (p.His880Arg)

Genes: TET2 (tet methylcytosine dioxygenase 2; plus strand), TET2-AS1 (TET2 antisense RNA 1; minus strand). Cytogenetic location: 4q24.
Variant type: single nucleotide variant.
Coding change: c.2639A>G on transcript NM_001127208.3 (MANE Select); coding-DNA position 2639, A replaced by G.
Protein change: p.His880Arg; replaces histidine 880 with arginine.
Molecular consequence: missense variant.
Genome position (GRCh38, 1-based): chr4:105,236,581, A>G. VCF-style: chr4-105236581-A-G. GRCh37 (hg19) VCF-style: chr4-106157738-A-G.
Other names: c.2639A>G, p.His880Arg (NM_017628.4); short protein forms H880R.
Identifiers: ClinVar variation 2883874 (VCV002883874.4), dbSNP rs373659652, ClinGen allele CA3031917.

ClinVar aggregate classification (germline): Uncertain significance. Review status: criteria provided, multiple submitters, no conflicts (2 of 4 stars). 2 submissions from 2 submitters: Uncertain significance (2). Last evaluated 2026-01-06.

Allele frequency attached by ClinVar (database versions not stated): gnomAD 0.00006; 1000 Genomes Project 30x 0.00016; gnomAD exomes below 0.00001; ESP Exome Variant Server 0.00008; 1000 Genomes Project 0.00020; ExAC 0.00003; TOPMed 0.00006.
gnomAD v4.1: 19 of 1,614,126 alleles (0.0012%); highest among the groups gnomAD compares: African/African-American, 0.017%; no homozygotes.

Submissions (2):

Labcorp Genetics (formerly Invitae), Labcorp
Classification: Uncertain significance. Last evaluated: 2026-01-06. Review status: criteria provided, single submitter. Criteria: Invitae Variant Classification Sherloc (09022015). Collection method: clinical testing. Allele origin: germline.
Comment: This sequence change replaces histidine, which is basic and polar, with arginine, which is basic and polar, at codon 880 of the TET2 protein (p.His880Arg). This variant is present in population databases (rs373659652, gnomAD 0.04%). This variant has not been reported in the literature in individuals affected with TET2-related conditions. ClinVar contains an entry for this variant (Variation ID: 2883874). An algorithm developed to predict the effect of missense changes on protein structure and function (PolyPhen-2) suggests that this variant is likely to be tolerated. In summary, the available evidence is currently insufficient to determine the role of this variant in disease. Therefore, it has been classified as a Variant of Uncertain Significance.

Ambry Genetics
Classification: Uncertain significance. Last evaluated: 2024-12-21. Review status: criteria provided, single submitter. Criteria: Ambry Variant Classification Scheme 2023. Collection method: clinical testing. Allele origin: germline.
Comment: The p.H880R variant (also known as c.2639A>G), located in coding exon 1 of the TET2 gene, results from an A to G substitution at nucleotide position 2639. The histidine at codon 880 is replaced by arginine, an amino acid with highly similar properties. This amino acid position is conserved. In addition, this alteration is predicted to be tolerated by in silico analysis. Based on the available evidence, the clinical significance of this variant remains unclear.